The following is an entry in ClinVar:

NM_175914.5(HNF4A):c.500A>C (p.Glu167Ala)

Gene: HNF4A (hepatocyte nuclear factor 4 alpha; plus strand). Cytogenetic location: 20q13.12.
Variant type: single nucleotide variant.
Coding change: c.500A>C on transcript NM_175914.5 (MANE Select); coding-DNA position 500, A replaced by C.
Protein change: p.Glu167Ala; replaces glutamic acid 167 with alanine.
Molecular consequence: missense variant.
Genome position (GRCh38, 1-based): chr20:44,414,580, A>C. VCF-style: chr20-44414580-A-C. GRCh37 (hg19) VCF-style: chr20-43043220-A-C.
Other names: NM_175914.5:c.500A>C; c.566A>C, p.Glu189Ala (NM_000457.6, NM_178849.3, NM_178850.3); c.500A>C, p.Glu167Ala (NM_001030003.3, NM_001030004.3); c.545A>C, p.Glu182Ala (NM_001258355.2); c.491A>C, p.Glu164Ala (NM_001287182.2, NM_001287183.2, NM_001287184.2); short protein forms E164A, E167A, E182A, E189A.
Identifiers: ClinVar variation 2574170 (VCV002574170.1), dbSNP rs2515679891, ClinGen allele CA409106019.

ClinVar aggregate classification (germline): Uncertain significance (3 of 4 stars; one submission).

Conditions:
Monogenic diabetes. Identifiers: Orphanet 183625, MedGen C3888631, MONDO:0015967.

Submission:

ClinGen Monogenic Diabetes Variant Curation Expert Panel
Classification: Uncertain significance for Monogenic diabetes. Last evaluated: 2023-07-30. Review status: reviewed by expert panel. Criteria: MDEP HNF4A Specificiations 1.0.0. Collection method: curation. Allele origin: germline. Inheritance: Autosomal dominant inheritance.
Comment: The c.500A>C variant in the Hepatocyte nuclear factor 4 alpha, HNF4A, causes an amino acid change of glutamic acid to alanine at codon 167 (p.(Glu167Ala)) of NM_175914.5. This variant is absent from gnomAD v2.1.1 (PM2_Supporting). This variant is predicted to be deleterious by computational evidence, with a REVEL score of 0.791, which is greater than the MDEP VCEP threshold of 0.70 (PP3). This variant was identified in a patient with an alternate molecular basis for disease (BP5; internal lab contributor). In summary, c.500A>C meets the criteria to be classified as a VUS for monogenic diabetes. ACMG/AMP criteria applied, as specified by the ClinGen MDEP VCEP (specification version 1.0, approved 11/16/2022): PM2_Supporting, PP3, BP5.